The following is an entry in ClinVar:

NM_001267550.2(TTN):c.66770-2A>C

Genes: TTN (titin; minus strand), TTN-AS1 (TTN antisense RNA 1; plus strand). Cytogenetic location: 2q31.2.
Variant type: single nucleotide variant.
Coding change: c.66770-2A>C on transcript NM_001267550.2 (MANE Select); the canonical splice acceptor site of the intron before coding-DNA position 66770, A replaced by C.
Molecular consequence: splice acceptor variant.
Genome position (GRCh38, 1-based): chr2:178,580,611, T>G on the plus strand (A>C on the coding strand, the complement: TTN is on the minus strand). VCF-style: chr2-178580611-T-G. GRCh37 (hg19) VCF-style: chr2-179445338-T-G.
Other names: c.39575-2A>C (NM_003319.4); c.40151-2A>C (NM_133437.4); c.39950-2A>C (NM_133432.3); c.59066-2A>C (NM_133378.4); c.61847-2A>C (NM_001256850.1).
Identifiers: ClinVar variation 520477 (VCV000520477.13), dbSNP rs1553624468, ClinGen allele CA349426176.

ClinVar aggregate classification (germline): Conflicting classifications of pathogenicity. Review status: criteria provided, conflicting classifications (1 of 4 stars). 4 submissions from 4 submitters: Pathogenic (2); Likely pathogenic (1); Uncertain significance (1). Last evaluated 2026-02-13.

Conditions:
Cardiovascular phenotype. Identifiers: MedGen CN230736.
TTN-related disorder. Also called: TTN-related condition; TTN-related disease; TTN-related disorders.
Dilated cardiomyopathy 1G (CMD1G). Identifiers: Orphanet 154, MedGen C1858763, MONDO:0011400, OMIM 604145.
Autosomal recessive limb-girdle muscular dystrophy type 2J (LGMDR10). Also called: Limb-girdle muscular dystrophy, type 2J; MUSCULAR DYSTROPHY, LIMB-GIRDLE, AUTOSOMAL RECESSIVE 10. Identifiers: Orphanet 140922, MedGen C1837342, MONDO:0012127, OMIM 608807.

Submissions (4):

Ambry Genetics
Classification: Uncertain significance for Cardiovascular phenotype. Last evaluated: 2026-02-13. Review status: criteria provided, single submitter. Criteria: Ambry Variant Classification Scheme 2023. Collection method: clinical testing. Allele origin: germline.
Comment: The c.39575-2A>C intronic variant results from an A to C substitution two nucleotides before coding exon 144 in the TTN gene. This exon is located in the A-band region of the N2-B isoform of the titin protein and is constitutively expressed in TTN transcripts (percent spliced in or PSI 100%). This nucleotide position is highly conserved in available vertebrate species. In silico splice site analysis predicts that this alteration will weaken the native splice acceptor site. This variant is considered to be rare based on population cohorts in the Genome Aggregation Database (gnomAD). This variant disrupts the canonical splice site and is expected to cause aberrant splicing. However, although direct evidence is unavailable, this variant is predicted to result in an in-frame transcript that is not expected to trigger nonsense-mediated mRNA decay. The exact functional effect of the predicted splice impact is unknown. Based on the available evidence, the clinical significance of this variant remains unclear.

Molecular Diagnostic Laboratory for Inherited Cardiovascular Disease, Montreal Heart Institute
Classification: Pathogenic for Cardiovascular phenotype. Last evaluated: 2025-01-27. Review status: criteria provided, single submitter. Criteria: ACMG Guidelines, 2015. Collection method: clinical testing. Allele origin: germline. Affected: yes.
Comment: PVS1_strong;PM2;PS4_mod;PP1_mod

Blueprint Genetics
Classification: Pathogenic for TTN-related disorders. Last evaluated: 2023-11-27. Review status: criteria provided, single submitter. Criteria: ACMG Guidelines, 2015. Collection method: clinical testing. Allele origin: germline. Affected: yes. Observed: 5 variant alleles.

Labcorp Genetics (formerly Invitae), Labcorp
Classification: Likely pathogenic for Dilated cardiomyopathy 1G; Autosomal recessive limb-girdle muscular dystrophy type 2J. Last evaluated: 2021-11-05. Review status: criteria provided, single submitter. Criteria: Invitae Variant Classification Sherloc (09022015). Collection method: clinical testing. Allele origin: germline.
Comment: In summary, the currently available evidence indicates that the variant is pathogenic, but additional data are needed to prove that conclusively. Therefore, this variant has been classified as Likely Pathogenic. This variant is not present in population databases (gnomAD no frequency). This variant has not been reported in the literature in individuals affected with TTN-related conditions. ClinVar contains an entry for this variant (Variation ID: 520477). Algorithms developed to predict the effect of sequence changes on RNA splicing suggest that this variant may disrupt the consensus splice site. This variant is located in the A band of TTN (PMID: 25589632). Truncating variants in this region are significantly overrepresented in patients affected with dilated cardiomyopathy (PMID: 25589632). Truncating variants in this region have also been reported in individuals affected with autosomal recessive centronuclear myopathy (PMID: 23975875). This sequence change affects an acceptor splice site in intron 316 of the TTN gene. It is expected to disrupt RNA splicing and likely results in a truncated or disrupted TTN protein.

Literature cited by the submitters: PubMed 25589632 (cited by Labcorp Genetics (formerly Invitae), Labcorp); PubMed 23975875 (cited by Labcorp Genetics (formerly Invitae), Labcorp).